The following is an entry in ClinVar:

ClinVar aggregate classification (germline): Uncertain significance (1 of 4 stars; one submission).

Conditions:
Leber congenital amaurosis 1 (LCA1). Also called: AMAUROSIS CONGENITA OF LEBER I; RETINAL BLINDNESS, CONGENITAL; Congenital absence of the rods and cones; Leber's congenital tapetoretinal degeneration; Leber's congenital tapetoretinal dysplasia. Identifiers: Orphanet 65, MedGen C2931258, MONDO:0008764, OMIM 204000.
Cone-rod dystrophy 6 (CORD6). Also called: RETINAL CONE DYSTROPHY 2; Cone dystrophy progressive. Identifiers: Orphanet 1872, MedGen C1866293, MONDO:0011143, OMIM 601777.

Submission:

Labcorp Genetics (formerly Invitae), Labcorp
Classification: Uncertain significance for Leber congenital amaurosis 1; Cone-rod dystrophy 6. Last evaluated: 2026-01-24. Review status: criteria provided, single submitter. Criteria: Invitae Variant Classification Sherloc (09022015). Collection method: clinical testing. Allele origin: germline.
Comment: This sequence change replaces alanine, which is neutral and non-polar, with threonine, which is neutral and polar, at codon 204 of the GUCY2D protein (p.Ala204Thr). This variant is not present in population databases (gnomAD no frequency). This variant has not been reported in the literature in individuals affected with GUCY2D-related conditions. Invitae Evidence Modeling of protein sequence and biophysical properties (such as structural, functional, and spatial information, amino acid conservation, physicochemical variation, residue mobility, and thermodynamic stability) indicates that this missense variant is not expected to disrupt GUCY2D protein function with a negative predictive value of 80%. In summary, the available evidence is currently insufficient to determine the role of this variant in disease. Therefore, it has been classified as a Variant of Uncertain Significance.

NM_000180.4(GUCY2D):c.610G>A (p.Ala204Thr)

Gene: GUCY2D (guanylate cyclase 2D, retinal; plus strand). Cytogenetic location: 17p13.1.
Variant type: single nucleotide variant.
Coding change: c.610G>A on transcript NM_000180.4 (MANE Select); coding-DNA position 610, G replaced by A.
Protein change: p.Ala204Thr; replaces alanine 204 with threonine.
Molecular consequence: missense variant.
Genome position (GRCh38, 1-based): chr17:8,003,657, G>A. VCF-style: chr17-8003657-G-A. GRCh37 (hg19) VCF-style: chr17-7906975-G-A.
Other names: short protein forms A204T.
Identifiers: ClinVar variation 4790225 (VCV004790225.1).
Genomic context (GRCh38, chr17:8,003,657, plus strand): 5'-GTGGCCCTGGTCACCGCCCCCCAGGACCTGTGGGTGGAGGCGGGACGCTCACTGTCCACG[G>A]CACTCAGGGCCCGGGGCCTGCCTGTCGCCTCCGTGACTTCCATGGAGCCCTTGGACCTGT-3'
Protein context (NP_000171.1, residues 194-214): WVEAGRSLST[Ala204Thr]LRARGLPVAS